The following is an entry in ClinVar:

NM_014000.3(VCL):c.2087A>C (p.Glu696Ala)

Gene: VCL (vinculin; plus strand). Cytogenetic location: 10q22.2.
Variant type: single nucleotide variant.
Coding change: c.2087A>C on transcript NM_014000.3 (MANE Select); coding-DNA position 2087, A replaced by C.
Protein change: p.Glu696Ala; replaces glutamic acid 696 with alanine.
Molecular consequence: missense variant.
Genome position (GRCh38, 1-based): chr10:74,103,884, A>C. VCF-style: chr10-74103884-A-C. GRCh37 (hg19) VCF-style: chr10-75863642-A-C.
Other names: c.2087A>C, p.Glu696Ala (NM_003373.4); short protein forms E696A.
Identifiers: ClinVar variation 3691806 (VCV003691806.2).

ClinVar aggregate classification (germline): Uncertain significance (1 of 4 stars; one submission).

Conditions:
Dilated cardiomyopathy 1W (CMD1W). Identifiers: Orphanet 154, MedGen C1969639, MONDO:0012667, OMIM 611407.

Submission:

Labcorp Genetics (formerly Invitae), Labcorp
Classification: Uncertain significance for Dilated cardiomyopathy 1W. Last evaluated: 2024-01-31. Review status: criteria provided, single submitter. Criteria: Invitae Variant Classification Sherloc (09022015). Collection method: clinical testing. Allele origin: germline.
Comment: This sequence change replaces glutamic acid, which is acidic and polar, with alanine, which is neutral and non-polar, at codon 696 of the VCL protein (p.Glu696Ala). This variant is not present in population databases (gnomAD no frequency). This variant has not been reported in the literature in individuals affected with VCL-related conditions. An algorithm developed to predict the effect of missense changes on protein structure and function (PolyPhen-2) suggests that this variant is likely to be disruptive. In summary, the available evidence is currently insufficient to determine the role of this variant in disease. Therefore, it has been classified as a Variant of Uncertain Significance.